The following is an entry in ClinVar:

NM_022455.5(NSD1):c.1367C>T (p.Pro456Leu)

Gene: NSD1 (nuclear receptor binding SET domain protein 1; plus strand). Cytogenetic location: 5q35.3.
Variant type: single nucleotide variant.
Coding change: c.1367C>T on transcript NM_022455.5 (MANE Select); coding-DNA position 1367, C replaced by T.
Protein change: p.Pro456Leu; replaces proline 456 with leucine.
Molecular consequence: missense variant.
Genome position (GRCh38, 1-based): chr5:177,209,766, C>T. VCF-style: chr5-177209766-C-T. GRCh37 (hg19) VCF-style: chr5-176636767-C-T.
Other names: c.494C>T, p.Pro165Leu (NM_001365684.2, NM_001409306.1, NM_001409307.1 and 3 more transcripts); c.1367C>T, p.Pro456Leu (NM_001409301.1, NM_001409302.1, NM_001409303.1); c.947C>T, p.Pro316Leu (NM_001409304.1); c.614C>T, p.Pro205Leu (NM_001409305.1); short protein forms P456L, P187L, P165L, P205L, P316L.
Identifiers: ClinVar variation 524698 (VCV000524698.11), dbSNP rs775730406, ClinGen allele CA3577076.
Genomic context (GRCh38, chr5:177,209,766, plus strand): 5'-GGTCAAAGAACCGAAAATGTATTCCTGGTTCAATCAAGTTGGACAGTGAAGAAGATATGC[C>T]ATTTGAAGACTGCACAAATGATCCTGAGTCAGAACATGACCTGTTGCTTAATGGCTGTTT-3'
Protein context (NP_071900.2, residues 446-466): SIKLDSEEDM[Pro456Leu]FEDCTNDPES

ClinVar aggregate classification (germline): Conflicting classifications of pathogenicity. Review status: criteria provided, conflicting classifications (1 of 4 stars). 4 submissions from 3 submitters: Uncertain significance (2); Likely benign (1). 1 of the submissions does not count toward it. Last evaluated 2025-02-16.

Conditions:
Sotos syndrome (SOTOS). Also called: Distinctive facial appearance, overgrowth in childhood, and learning disabilities or delayed development; CEREBRAL GIGANTISM; Sotos' syndrome; CHROMOSOME 5q35 DELETION SYNDROME; SOTOS SYNDROME 1. Identifiers: Orphanet 821, MedGen C0175695, MONDO:0019349, OMIM 117550.

Allele frequency attached by ClinVar (database versions not stated): gnomAD exomes 0.00001 and below 0.00001; ExAC 0.00001.
gnomAD v4.1: 17 of 1,614,052 alleles (0.0011%); highest among the groups gnomAD compares: Non-Finnish European, 0.0014%; no homozygotes.

Submissions (4):

Laboratory of Genetics, Children's Clinical University Hospital Latvia
Classification: Likely benign. Last evaluated: 2025-02-16. Review status: criteria provided, single submitter. Criteria: ACMG Guidelines, 2015. Collection method: clinical testing. Allele origin: germline. Affected: yes.

Fulgent Genetics
Classification: Uncertain significance for Sotos syndrome. Last evaluated: 2022-02-19. Review status: criteria provided, single submitter. Criteria: ACMG Guidelines, 2015. Collection method: clinical testing. Allele origin: unknown.

Labcorp Genetics (formerly Invitae), Labcorp
Classification: Uncertain significance. Last evaluated: 2017-09-13. Review status: criteria provided, single submitter. Criteria: Invitae Variant Classification Sherloc (09022015). Collection method: clinical testing. Allele origin: germline.
Comment: The frequency data for this variant in the population databases is considered unreliable, as metrics indicate poor data quality at this position in the ExAC database. This sequence change replaces proline with leucine at codon 456 of the NSD1 protein (p.Pro456Leu). The proline residue is weakly conserved and there is a moderate physicochemical difference between proline and leucine. This variant has not been reported in the literature in individuals with NSD1-related disease. Algorithms developed to predict the effect of missense changes on protein structure and function output the following: SIFT: "Tolerated"; PolyPhen-2: "Benign"; Align-GVGD: "Class C0". The leucine amino acid residue is found in multiple mammalian species, suggesting that this missense change does not adversely affect protein function. These predictions have not been confirmed by published functional studies and their clinical significance is uncertain. In summary, the available evidence is currently insufficient to determine the role of this variant in disease. Therefore, it has been classified as a Variant of Uncertain Significance.

Labcorp Genetics (formerly Invitae), Labcorp
Classification: Uncertain significance. Last evaluated: 2021-08-30. Review status: flagged submission. Criteria: Invitae Variant Classification Sherloc (09022015). Collection method: clinical testing. Allele origin: germline. Not counted in ClinVar's aggregate classification.
Comment: This sequence change replaces proline with leucine at codon 456 of the NSD1 protein (p.Pro456Leu). The proline residue is weakly conserved and there is a moderate physicochemical difference between proline and leucine. The frequency data for this variant in the population databases is considered unreliable, as metrics indicate poor data quality at this position in the ExAC database. This variant has not been reported in the literature in individuals affected with NSD1-related conditions. Algorithms developed to predict the effect of missense changes on protein structure and function output the following: SIFT: "Tolerated"; PolyPhen-2: "Benign"; Align-GVGD: "Class C0". The leucine amino acid residue is found in multiple mammalian species, which suggests that this missense change does not adversely affect protein function. In summary, the available evidence is currently insufficient to determine the role of this variant in disease. Therefore, it has been classified as a Variant of Uncertain Significance.
ClinVar note: Reason: This record appears to be redundant with a more recent record from the same submitter.
ClinVar note: Notes: SCV001484412 appears to be redundant with SCV000749450.